The following is an entry in ClinVar:

ClinVar aggregate classification (germline): Uncertain significance (1 of 4 stars; one submission).

Allele frequency attached by ClinVar (database versions not stated): gnomAD exomes below 0.00001.
gnomAD v4.1: 2 of 1,614,186 alleles (0.00012%); highest among the groups gnomAD compares: Non-Finnish European, 0.00017%; no homozygotes.

Submission:

Labcorp Genetics (formerly Invitae), Labcorp
Classification: Uncertain significance. Last evaluated: 2023-03-17. Review status: criteria provided, single submitter. Criteria: Invitae Variant Classification Sherloc (09022015). Collection method: clinical testing. Allele origin: germline.
Comment: Advanced modeling of protein sequence and biophysical properties (such as structural, functional, and spatial information, amino acid conservation, physicochemical variation, residue mobility, and thermodynamic stability) performed at Invitae indicates that this missense variant is not expected to disrupt RHOBTB2 protein function. In summary, the available evidence is currently insufficient to determine the role of this variant in disease. Therefore, it has been classified as a Variant of Uncertain Significance. This variant has not been reported in the literature in individuals affected with RHOBTB2-related conditions. This variant is not present in population databases (gnomAD no frequency). This sequence change replaces lysine, which is basic and polar, with glutamine, which is neutral and polar, at codon 716 of the RHOBTB2 protein (p.Lys716Gln).

NM_015178.3(RHOBTB2):c.2080A>C (p.Lys694Gln)

Gene: RHOBTB2 (Rho related BTB domain containing 2; plus strand). Cytogenetic location: 8p21.3.
Variant type: single nucleotide variant.
Coding change: c.2080A>C on transcript NM_015178.3 (MANE Select); coding-DNA position 2080, A replaced by C.
Protein change: p.Lys694Gln; replaces lysine 694 with glutamine.
Molecular consequence: missense variant.
Genome position (GRCh38, 1-based): chr8:23,017,365, A>C. VCF-style: chr8-23017365-A-C. GRCh37 (hg19) VCF-style: chr8-22874878-A-C.
Other names: c.2146A>C, p.Lys716Gln (NM_001160036.2); c.2080A>C, p.Lys694Gln (NM_001374791.1); c.2101A>C, p.Lys701Gln (NM_001160037.2); short protein forms K716Q, K694Q, K701Q.
Identifiers: ClinVar variation 2805373 (VCV002805373.3), dbSNP rs2487057773, ClinGen allele CA370577250.